The following is an entry in ClinVar:

ClinVar aggregate classification (germline): Uncertain significance (1 of 4 stars; one submission).

Submission:

GeneDx
Classification: Uncertain significance. Last evaluated: 2022-04-05. Review status: criteria provided, single submitter. Criteria: GeneDx Variant Classification Process June 2021. Collection method: clinical testing. Allele origin: germline. Affected: yes.
Comment: Not observed at significant frequency in large population cohorts (gnomAD); Nonsense variant predicted to result in protein truncation or nonsense mediated decay in a gene or region of a gene for which loss of function is not a well-established mechanism of disease; Has not been previously published as pathogenic or benign to our knowledge

NM_006267.5(RANBP2):c.8516C>G (p.Ser2839Ter)

Gene: RANBP2 (RAN binding protein 2; plus strand). Cytogenetic location: 2q13.
Variant type: single nucleotide variant.
Coding change: c.8516C>G on transcript NM_006267.5 (MANE Select); coding-DNA position 8516, C replaced by G.
Protein change: p.Ser2839Ter; replaces serine 2839 with a stop codon.
Molecular consequence: nonsense.
Genome position (GRCh38, 1-based): chr2:108,777,148, C>G. VCF-style: chr2-108777148-C-G. GRCh37 (hg19) VCF-style: chr2-109393604-C-G.
Other names: short protein forms S2839*.
Identifiers: ClinVar variation 1708575 (VCV001708575.2), dbSNP rs1677945982, ClinGen allele CA348083585.
Genomic context (GRCh38, chr2:108,777,148, plus strand): 5'-GCACAAATTAAATAGTAAATTGTTCTTTTTTTCTTTTGCCAGGGGAAAGCAAGATAGTTT[C>G]ATTTGGATTTGGAAGTAGCACAGGGCTCTCATTTGCAGACTTGGCTTCCAGTAATTCTGG-3'